The following is an entry in ClinVar:

NM_001254.4(CDC6):c.745G>C (p.Glu249Gln)

Gene: CDC6 (cell division cycle 6; plus strand). Cytogenetic location: 17q21.2.
Variant type: single nucleotide variant.
Coding change: c.745G>C on transcript NM_001254.4 (MANE Select); coding-DNA position 745, G replaced by C.
Protein change: p.Glu249Gln; replaces glutamic acid 249 with glutamine.
Molecular consequence: missense variant.
Genome position (GRCh38, 1-based): chr17:40,293,540, G>C. VCF-style: chr17-40293540-G-C. GRCh37 (hg19) VCF-style: chr17-38449792-G-C.
Other names: short protein forms E249Q.
Identifiers: ClinVar variation 2192644 (VCV002192644.4), dbSNP rs145734080, ClinGen allele CA399329702.
Genomic context (GRCh38, chr17:40,293,540, plus strand): 5'-ATCATGCTGAATTGCATGTCCTTGAGGACTGCCCAGGCTGTATTCCCAGCTATTGCTCAG[G>C]AGATTTGTCAGGAAGAGGTATCCAGGCCAGCTGGGAAGGACATGATGAGGAAATTGGAAA-3'
Protein context (NP_001245.1, residues 239-259): AQAVFPAIAQ[Glu249Gln]ICQEEVSRPA

ClinVar aggregate classification (germline): Uncertain significance (1 of 4 stars; one submission).

gnomAD v4.1: 3 of 1,613,828 alleles (0.00019%); highest among the groups gnomAD compares: Admixed American, 0.005%; no homozygotes.

Submission:

Labcorp Genetics (formerly Invitae), Labcorp
Classification: Uncertain significance. Last evaluated: 2024-08-20. Review status: criteria provided, single submitter. Criteria: Invitae Variant Classification Sherloc (09022015). Collection method: clinical testing. Allele origin: germline.
Comment: This sequence change replaces glutamic acid, which is acidic and polar, with glutamine, which is neutral and polar, at codon 249 of the CDC6 protein (p.Glu249Gln). This variant is present in population databases (no rsID available, gnomAD 0.003%). This variant has not been reported in the literature in individuals affected with CDC6-related conditions. ClinVar contains an entry for this variant (Variation ID: 2192644). An algorithm developed to predict the effect of missense changes on protein structure and function (PolyPhen-2) suggests that this variant is likely to be tolerated. In summary, the available evidence is currently insufficient to determine the role of this variant in disease. Therefore, it has been classified as a Variant of Uncertain Significance.